The following is an entry in ClinVar:

ClinVar aggregate classification (germline): Uncertain significance (1 of 4 stars; one submission).

Conditions:
Developmental and epileptic encephalopathy 94 (DEE94). Also called: Epileptic encephalopathy, childhood-onset; CHD2-Related Neurodevelopmental Disorders. Identifiers: Orphanet 1942, Orphanet 2382, MedGen C3809278, MONDO:0014150, OMIM 615369.

Allele frequency attached by ClinVar (database versions not stated): gnomAD exomes below 0.00001.
gnomAD v4.1: 2 of 1,614,226 alleles (0.00012%); highest among the groups gnomAD compares: South Asian, 0.0022%; no homozygotes.

Submission:

Labcorp Genetics (formerly Invitae), Labcorp
Classification: Uncertain significance for Developmental and epileptic encephalopathy 94. Last evaluated: 2022-11-03. Review status: criteria provided, single submitter. Criteria: Invitae Variant Classification Sherloc (09022015). Collection method: clinical testing. Allele origin: germline.
Comment: In summary, the available evidence is currently insufficient to determine the role of this variant in disease. Therefore, it has been classified as a Variant of Uncertain Significance. Advanced modeling of protein sequence and biophysical properties (such as structural, functional, and spatial information, amino acid conservation, physicochemical variation, residue mobility, and thermodynamic stability) performed at Invitae indicates that this missense variant is not expected to disrupt CHD2 protein function. This missense change has been observed in individual(s) with clinical features of CHD2-related conditions (PMID: 30564305). This variant is present in population databases (no rsID available, gnomAD 0.003%). This sequence change replaces proline, which is neutral and non-polar, with threonine, which is neutral and polar, at codon 1787 of the CHD2 protein (p.Pro1787Thr).

Literature cited by the submitters: PubMed 30564305.

NM_001271.4(CHD2):c.5359C>A (p.Pro1787Thr)

Gene: CHD2 (chromodomain helicase DNA binding protein 2; plus strand). Cytogenetic location: 15q26.1.
Variant type: single nucleotide variant.
Coding change: c.5359C>A on transcript NM_001271.4 (MANE Select); coding-DNA position 5359, C replaced by A.
Protein change: p.Pro1787Thr; replaces proline 1787 with threonine.
Molecular consequence: missense variant.
Genome position (GRCh38, 1-based): chr15:93,024,577, C>A. VCF-style: chr15-93024577-C-A. GRCh37 (hg19) VCF-style: chr15-93567807-C-A.
Other names: short protein forms P1787T.
Identifiers: ClinVar variation 2915495 (VCV002915495.3), dbSNP rs1198410164, ClinGen allele CA393908619.